The following is an entry in ClinVar:

ClinVar aggregate classification (germline): Pathogenic (0 of 4 stars; one submission).

Conditions:
PKD1-related disorder. Also called: PKD1-related condition.

Submission:

PreventionGenetics, part of Exact Sciences
Classification: Pathogenic for PKD1-related condition. Last evaluated: 2024-02-27. Review status: no assertion criteria provided. Collection method: clinical testing. Allele origin: germline.
Comment: The PKD1 c.10140_10143delCCTC variant is predicted to result in a frameshift and premature protein termination (p.Phe3380Leufs*16). To our knowledge, this variant has not been reported in the literature or in a large population database, indicating this variant is rare. Frameshift variants in PKD1 are expected to be pathogenic. This variant is interpreted as pathogenic.

NM_001009944.3(PKD1):c.10140_10143del (p.Phe3380fs)

Gene: PKD1 (polycystin 1, transient receptor potential channel interacting; minus strand). Cytogenetic location: 16p13.3.
Variant type: Deletion.
Coding change: c.10140_10143del on transcript NM_001009944.3 (MANE Select); coding-DNA positions 10140 to 10143, 4 bases deleted (CCTC; older notation c.10140_10143delCCTC).
Protein change: p.Phe3380fs; shifts the reading frame from phenylalanine 3380.
Molecular consequence: frameshift variant.
Genome position (GRCh38, 1-based): chr16:2,097,892-2,097,895, GAGG deleted on the plus strand (CCTC on the coding strand, the reverse complement: PKD1 is on the minus strand). VCF-style (leftmost placement, unchanged base first): chr16-2097891-TGAGG-T. GRCh37 (hg19) VCF-style: chr16-2147892-TGAGG-T.
Other names: c.10140_10143del, p.Phe3380fs (NM_000296.4); short protein forms F3380fs.
Identifiers: ClinVar variation 3061253 (VCV003061253.2), dbSNP rs2544693381, ClinGen allele CA2740096843.
Genomic context (GRCh38, chr16:2,097,891, plus strand): 5'-CCCCAGCCCAGCCCAGGACCCCCAGTAGAGTCCTCACCTCAGCGTGGAGGCCTGAGAACG[TGAGG>T]AAGGAGCTGTCCAGCACGGACGAGTCCAGGCAGCTGTCGATGTCCAGCACCTGCTGCCCG-3'